The following is an entry in ClinVar:

ClinVar aggregate classification (germline): Uncertain significance. Review status: criteria provided, multiple submitters, no conflicts (2 of 4 stars). 3 submissions from 3 submitters: Uncertain significance (2). 1 of the submissions does not count toward it. Last evaluated 2023-04-27.

Conditions:
Nephronophthisis. Also called: Juvenile Nephronophthisis. Identifiers: Orphanet 655, MedGen C0687120, MONDO:0019005, HP:0000090.
NPHP3-related disorder. Also called: NPHP3-related condition; NPHP3-related disorders. Identifiers: MedGen CN379163.

Submissions (3):

Labcorp Genetics (formerly Invitae), Labcorp
Classification: Uncertain significance for Nephronophthisis. Last evaluated: 2023-04-27. Review status: criteria provided, single submitter. Criteria: Invitae Variant Classification Sherloc (09022015). Collection method: clinical testing. Allele origin: germline.
Comment: This sequence change replaces alanine, which is neutral and non-polar, with proline, which is neutral and non-polar, at codon 154 of the NPHP3 protein (p.Ala154Pro). This variant is not present in population databases (gnomAD no frequency). This variant has not been reported in the literature in individuals affected with NPHP3-related conditions. ClinVar contains an entry for this variant (Variation ID: 501426). Advanced modeling of protein sequence and biophysical properties (such as structural, functional, and spatial information, amino acid conservation, physicochemical variation, residue mobility, and thermodynamic stability) has been performed at Invitae for this missense variant, however the output from this modeling did not meet the statistical confidence thresholds required to predict the impact of this variant on NPHP3 protein function. In summary, the available evidence is currently insufficient to determine the role of this variant in disease. Therefore, it has been classified as a Variant of Uncertain Significance.

Eurofins Ntd Llc (ga)
Classification: Uncertain significance. Last evaluated: 2017-04-11. Review status: criteria provided, single submitter. Criteria: EGL Classification Definitions 2015. Collection method: clinical testing. Allele origin: germline. Observed: 1 variant allele, 1 heterozygote.

PreventionGenetics, part of Exact Sciences
Classification: Uncertain significance for NPHP3-related condition. Last evaluated: 2024-08-07. Review status: no assertion criteria provided. Collection method: clinical testing. Allele origin: germline. Not counted in ClinVar's aggregate classification.
Comment: The NPHP3 c.460G>C variant is predicted to result in the amino acid substitution p.Ala154Pro. To our knowledge, this variant has not been reported in the literature or in a large population database, indicating this variant is rare. At this time, the clinical significance of this variant is uncertain due to the absence of conclusive functional and genetic evidence.

NM_153240.5(NPHP3):c.460G>C (p.Ala154Pro)

Genes: NPHP3 (nephrocystin 3; minus strand), NPHP3-ACAD11 (NPHP3-ACAD11 readthrough (NMD candidate); minus strand). Cytogenetic location: 3q22.1.
Variant type: single nucleotide variant.
Coding change: c.460G>C on transcript NM_153240.5 (MANE Select); coding-DNA position 460, G replaced by C.
Protein change: p.Ala154Pro; replaces alanine 154 with proline.
Molecular consequence: missense variant. On other transcripts: non-coding transcript variant (1).
Genome position (GRCh38, 1-based): chr3:132,719,764, C>G on the plus strand (G>C on the coding strand, the complement: NPHP3 is on the minus strand). VCF-style: chr3-132719764-C-G. GRCh37 (hg19) VCF-style: chr3-132438608-C-G.
Other names: c.460G>C (NM_153240.4); short protein forms A154P.
Identifiers: ClinVar variation 501426 (VCV000501426.9), dbSNP rs1553775398, ClinGen allele CA354587961.
Genomic context (GRCh38, chr3:132,719,764, plus strand): 5'-CCTTGAATTGCCTTTTAACTTTATCTCTGTCATGTTCAAATGTTGCTGCTCTCTCCATTG[C>G]TTGGTATTTCGCTTCTAAAGCACTTTCTTTTTCTCGAAGTATCTTCTGATACGTTTTTTG-3'
Protein context (NP_694972.3, residues 144-164): KESALEAKYQ[Ala154Pro]MERAATFEHD